The following is an entry in ClinVar:

ClinVar aggregate classification (germline): Conflicting classifications of pathogenicity. Review status: criteria provided, conflicting classifications (1 of 4 stars). 3 submissions from 3 submitters: Uncertain significance (1); Likely benign (1). 1 of the submissions does not count toward it. Last evaluated 2026-08-01.

Conditions:
GCH1-related disorder. Also called: GCH1-related condition.
Dystonia 5 (DRD). Also called: DYT-GCH1; DYSTONIA, PROGRESSIVE, WITH DIURNAL VARIATION; DYSTONIA-PARKINSONISM WITH DIURNAL FLUCTUATION; Dystonia, DOPA-responsive, with or without hyperphenylalaninemia; GTP Cyclohydrolase 1-Deficient Dopa-Responsive Dystonia. Identifiers: Orphanet 98808, MedGen C1851920, MONDO:0007495, OMIM 128230.
GTP cyclohydrolase I deficiency. Identifiers: MedGen C0268467, MONDO:0100184.

Allele frequency attached by ClinVar (database versions not stated): gnomAD 0.00001.
gnomAD v4.1: 5 of 1,611,658 alleles (0.00031%); highest among the groups gnomAD compares: Admixed American, 0.0017%; no homozygotes.

Submissions (3):

CeGaT Center for Human Genetics Tuebingen
Classification: Uncertain significance. Last evaluated: 2026-08-01. Review status: criteria provided, single submitter. Criteria: CeGaT Center For Human Genetics Tuebingen Variant Classification Criteria Version 2. Collection method: clinical testing. Allele origin: germline. Affected: yes. Observed: 1 variant allele.
Comment: GCH1: PM2, BP4

Labcorp Genetics (formerly Invitae), Labcorp
Classification: Likely benign for GTP cyclohydrolase I deficiency; Dystonia 5. Last evaluated: 2025-10-08. Review status: criteria provided, single submitter. Criteria: Invitae Variant Classification Sherloc (09022015). Collection method: clinical testing. Allele origin: germline.

PreventionGenetics, part of Exact Sciences
Classification: Likely benign for GCH1-related condition. Last evaluated: 2019-05-30. Review status: no assertion criteria provided. Collection method: clinical testing. Allele origin: germline. Not counted in ClinVar's aggregate classification.
Comment: This variant is classified as likely benign based on ACMG/AMP sequence variant interpretation guidelines (Richards et al. 2015 PMID: 25741868, with internal and published modifications).

NM_000161.3(GCH1):c.343+7G>T

Gene: GCH1 (GTP cyclohydrolase 1; minus strand). Cytogenetic location: 14q22.2.
Variant type: single nucleotide variant.
Coding change: c.343+7G>T on transcript NM_000161.3 (MANE Select); 7 bases into the intron after coding-DNA position 343, G replaced by T.
Molecular consequence: intron variant.
Genome position (GRCh38, 1-based): chr14:54,902,314, C>A on the plus strand (G>T on the coding strand, the complement: GCH1 is on the minus strand). VCF-style: chr14-54902314-C-A. GRCh37 (hg19) VCF-style: chr14-55369032-C-A.
Other names: c.343+7G>T (NM_001024071.2, NM_001024070.2, NM_001024024.2 and 1 more transcripts).
Identifiers: ClinVar variation 1907536 (VCV001907536.8), dbSNP rs754924703, ClinGen allele CA614283316.